The following is an entry in ClinVar:

NM_000264.5(PTCH1):c.1617G>T (p.Glu539Asp)

Gene: PTCH1 (patched 1; minus strand). Cytogenetic location: 9q22.32.
Variant type: single nucleotide variant.
Coding change: c.1617G>T on transcript NM_000264.5 (MANE Select); coding-DNA position 1617, G replaced by T.
Protein change: p.Glu539Asp; replaces glutamic acid 539 with aspartic acid.
Molecular consequence: missense variant. On other transcripts: non-coding transcript variant (1).
Genome position (GRCh38, 1-based): chr9:95,476,145, C>A on the plus strand (G>T on the coding strand, the complement: PTCH1 is on the minus strand). VCF-style: chr9-95476145-C-A. GRCh37 (hg19) VCF-style: chr9-98238427-C-A.
Other names: c.1419G>T, p.Glu473Asp (NM_001083602.3); c.1614G>T, p.Glu538Asp (NM_001083603.3); c.1164G>T, p.Glu388Asp (NM_001083604.3, NM_001083605.3, NM_001083606.3 and 1 more transcripts); c.1461G>T, p.Glu487Asp (NM_001354918.2); short protein forms E473D, E538D, E487D, E539D, E388D.
Identifiers: ClinVar variation 1378232 (VCV001378232.8), dbSNP rs1221665069, ClinGen allele CA374118096.

ClinVar aggregate classification (germline): Uncertain significance (1 of 4 stars; one submission).

Conditions:
Gorlin syndrome. Also called: Basal cell nevus syndrome; Nevoid Basal Cell Carcinoma Syndrome. Identifiers: Orphanet 377, MedGen C0004779, MONDO:0007187.

Submission:

Labcorp Genetics (formerly Invitae), Labcorp
Classification: Uncertain significance for Gorlin syndrome. Last evaluated: 2021-03-10. Review status: criteria provided, single submitter. Criteria: Invitae Variant Classification Sherloc (09022015). Collection method: clinical testing. Allele origin: germline.
Comment: This sequence change replaces glutamic acid with aspartic acid at codon 539 of the PTCH1 protein (p.Glu539Asp). The glutamic acid residue is moderately conserved and there is a small physicochemical difference between glutamic acid and aspartic acid. This variant is not present in population databases (ExAC no frequency). This variant has not been reported in the literature in individuals with PTCH1-related conditions. Advanced modeling of protein sequence and biophysical properties (such as structural, functional, and spatial information, amino acid conservation, physicochemical variation, residue mobility, and thermodynamic stability) performed at Invitae indicates that this missense variant is not expected to disrupt PTCH1 protein function. In summary, the available evidence is currently insufficient to determine the role of this variant in disease. Therefore, it has been classified as a Variant of Uncertain Significance.